The following is an entry in ClinVar:

NM_001042681.2(RERE):c.4220C>G (p.Ala1407Gly)

Gene: RERE (arginine-glutamic acid dipeptide repeats; minus strand). Cytogenetic location: 1p36.23.
Variant type: single nucleotide variant.
Coding change: c.4220C>G on transcript NM_001042681.2 (MANE Select); coding-DNA position 4220, C replaced by G.
Protein change: p.Ala1407Gly; replaces alanine 1407 with glycine.
Molecular consequence: missense variant.
Genome position (GRCh38, 1-based): chr1:8,358,315, G>C on the plus strand (C>G on the coding strand, the complement: RERE is on the minus strand). VCF-style: chr1-8358315-G-C. GRCh37 (hg19) VCF-style: chr1-8418375-G-C.
Other names: c.2558C>G, p.Ala853Gly (NM_001042682.2); c.4220C>G, p.Ala1407Gly (NM_012102.4); short protein forms A1407G, A853G.
Identifiers: ClinVar variation 3254889 (VCV003254889.1), dbSNP rs1482941610.

ClinVar aggregate classification (germline): Uncertain significance (1 of 4 stars; one submission).

Conditions:
Neurodevelopmental disorder with or without anomalies of the brain, eye, or heart (NEDBEH). Identifiers: Orphanet 494344, MedGen C5567477, MONDO:0014857, OMIM 616975.

Allele frequency attached by ClinVar (database versions not stated): gnomAD 0.00001; TOPMed below 0.00001.
gnomAD v4.1: 11 of 1,613,512 alleles (0.00068%); highest among the groups gnomAD compares: Non-Finnish European, 0.00093%; no homozygotes.

Submission:

Victorian Clinical Genetics Services, Murdoch Childrens Research Institute
Classification: Uncertain significance for Neurodevelopmental disorder with or without anomalies of the brain, eye, or heart. Last evaluated: 2023-07-17. Review status: criteria provided, single submitter. Criteria: ACMG Guidelines, 2015. Collection method: clinical testing. Allele origin: germline. Inheritance: Autosomal dominant inheritance. Affected: yes.
Comment: Based on the classification scheme VCGS_Germline_v1.3.4, this variant is classified as VUS-3C. Following criteria are met: 0102 - Loss of function is a known mechanism of disease in this gene and is associated with neurodevelopmental disorder with or without anomalies of the brain, eye, or heart (MIM#616975). (I) 0107 - This gene is associated with autosomal dominant disease. (I) 0200 - Variant is predicted to result in a missense amino acid change from alanine to glycine. (I) 0251 - This variant is heterozygous. (I) 0302 - Variant is present in gnomAD <0.001 for a dominant condition (v3: 1 heterozygote, 0 homozygotes). (SP) 0309 - Multiple alternative amino acid changes at the same position have been observed in gnomAD (highest allele count v2: 1 heterozygote, 0 homozygotes). (I) 0502 - Missense variant with conflicting in silico predictions and uninformative conservation. (I) 0600 - Variant is located in the annotated atrophin-1 domain (DECIPHER). (I) 0705 - No comparable missense variants have previous evidence for pathogenicity. (I) 0803 - This variant has limited previous evidence of pathogenicity in an unrelated individual. It has been reported in an individual with clinical features including autism, cryptorchidism, delayed speech and language development, intellectual disability, motor delay, overgrowth and prominent forehead, with unknown inheritance (DECIPHER). (SP) 0905 - No published segregation evidence has been identified for this variant. (I) 1007 - No published functional evidence has been identified for this variant. (I) Legend: (SP) - Supporting pathogenic, (I) - Information, (SB) - Supporting benign